The following is an entry in ClinVar:

ClinVar aggregate classification (germline): Conflicting classifications of pathogenicity. Review status: criteria provided, conflicting classifications (1 of 4 stars). 2 submissions from 2 submitters: Likely pathogenic (1); Uncertain significance (1). Last evaluated 2025-01-09.

Conditions:
Usher syndrome type 1D (USH1D). Also called: USHER SYNDROME, TYPE ID. Identifiers: Orphanet 231169, Orphanet 886, MedGen C1832845, MONDO:0010984, OMIM 601067.
Autosomal recessive nonsyndromic hearing loss 12. Also called: DEAFNESS, AUTOSOMAL RECESSIVE 12. Identifiers: Orphanet 90636, MedGen C1832394, MONDO:0011067, OMIM 601386.

Submissions (2):

Institute of Rare Diseases, West China Hospital, Sichuan University
Classification: Likely pathogenic for Autosomal recessive nonsyndromic hearing loss 12. Last evaluated: 2025-01-09. Review status: criteria provided, single submitter. Criteria: ClinGen HL ACMG Specifications v1. Collection method: research. Allele origin: germline. Affected: yes.
Comment: PM3;PP1;PM2_Supporting;PM4

Genomic Medicine Center of Excellence, King Faisal Specialist Hospital and Research Centre
Classification: Uncertain significance for Usher syndrome type 1D. Last evaluated: 2024-03-25. Review status: criteria provided, single submitter. Criteria: ACMG Guidelines, 2015. Collection method: research. Allele origin: germline.

NM_022124.6(CDH23):c.4693TAC[1] (p.Tyr1566del)

Gene: CDH23 (cadherin related 23; plus strand). Cytogenetic location: 10q22.1.
Variant type: Microsatellite.
Coding change: c.4693TAC[1] on transcript NM_022124.6 (MANE Select); one copy of the 3-base unit TAC starting at c.4693; the reference has two copies in a row; one copy, 3 bases deleted; also written c.4696_4698del.
Protein change: p.Tyr1566del; deletes tyrosine 1566.
Molecular consequence: inframe deletion.
Genome position (GRCh38, 1-based): chr10:71,741,772-71,741,774, TAC deleted; deleting any 3 consecutive bases within chr10:71,741,768-71,741,774 gives the same sequence; the position shown is the placement nearest the transcript's 3' end. VCF-style (leftmost placement, unchanged base first): chr10-71741767-CCTA-C. GRCh37 (hg19) VCF-style: chr10-73501524-CCTA-C.
Other names: c.4696_4698del (NM_022124.6); short protein forms Y1566del.
Identifiers: ClinVar variation 3064401 (VCV003064401.3), dbSNP rs2494220865, ClinGen allele CA2740093033.